The following is an entry in ClinVar:

ClinVar aggregate classification (germline): Uncertain significance (1 of 4 stars; one submission).

Conditions:
Hypophosphatasia. Also called: Phosphoethanol-aminuria. Identifiers: Orphanet 436, MedGen C0020630, MeSH D007014, MONDO:0018570.

Submission:

Genomenon, Inc
Classification: Uncertain significance for Hypophosphatasia. Last evaluated: 2025-08-29. Review status: criteria provided, single submitter. Criteria: Genomenon Sequence Variant Interpretation Standards. Collection method: curation. Allele origin: germline. Affected: yes.
Comment: ALPL p.Leu349_Ala352del (c.1044_ 1055del) is an in-frame deletion that results in the deletion of multiple amino acids, from Leucine at position 349 to Alanine at position 352. This variant has been observed in at least one proband affected with hypophosphatasia (PMID:17253930). It is absent or not present at a significant frequency in gnomAD. In conclusion, we classify ALPL p.Leu349_Ala352del (c.1044_ 1055del) as a variant of unknown significance.

Literature cited by the submitters: PubMed 17253930.

NM_000478.6(ALPL):c.1044_1055del (p.Leu349_Ala352del)

Gene: ALPL (alkaline phosphatase, biomineralization associated; plus strand). Cytogenetic location: 1p36.12.
Variant type: Deletion.
Coding change: c.1044_1055del on transcript NM_000478.6 (MANE Select); coding-DNA positions 1044 to 1055, 12 bases deleted (CCTGCATGAGGC).
Protein change: p.Leu349_Ala352del.
Molecular consequence: inframe deletion.
Genome position (GRCh38, 1-based): chr1:21,575,779-21,575,790, CCTGCATGAGGC deleted; deleting any 12 consecutive bases within chr1:21,575,775-21,575,790 gives the same sequence; the c. name uses the placement nearest the transcript's 3' end. VCF-style (leftmost placement, unchanged base first): chr1-21575774-CAGGCCCTGCATG-C. GRCh37 (hg19) VCF-style: chr1-21902267-CAGGCCCTGCATG-C.
Other names: c.879_890del, p.Leu294_Ala297del (NM_001127501.4); c.813_824del, p.Leu272_Ala275del (NM_001177520.3); c.1044_1055del, p.Leu349_Ala352del (NM_001369803.2, NM_001369804.2, NM_001369805.2).
Identifiers: ClinVar variation 4086862 (VCV004086862.1).